The following is an entry in ClinVar:

ClinVar aggregate classification (germline): Uncertain significance (1 of 4 stars; one submission).

Conditions:
Inborn genetic diseases. Identifiers: MedGen C0950123, MeSH D030342.

gnomAD v4.1: 1 of 1,614,198 alleles (0.000062%); highest among the groups gnomAD compares: Non-Finnish European, 0.000085%; no homozygotes.

Submission:

Ambry Genetics
Classification: Uncertain significance for Inborn genetic diseases. Last evaluated: 2025-12-21. Review status: criteria provided, single submitter. Criteria: Ambry Variant Classification Scheme 2023. Collection method: clinical testing. Allele origin: germline.
Comment: The p.D12E variant (also known as c.36C>G), located in coding exon 1 of the RTEL1 gene, results from a C to G substitution at nucleotide position 36. The aspartic acid at codon 12 is replaced by glutamic acid, an amino acid with highly similar properties. This amino acid position is conserved. In addition, this alteration is predicted to be tolerated by in silico analysis. Based on the available evidence, the clinical significance of this variant remains unclear.

NM_001283009.2(RTEL1):c.36C>G (p.Asp12Glu)

Genes: RTEL1 (regulator of telomere elongation helicase 1; plus strand), RTEL1-TNFRSF6B (RTEL1-TNFRSF6B readthrough (NMD candidate); plus strand). Cytogenetic location: 20q13.33.
Variant type: single nucleotide variant.
Coding change: c.36C>G on transcript NM_001283009.2 (MANE Select); coding-DNA position 36, C replaced by G.
Protein change: p.Asp12Glu; replaces aspartic acid 12 with glutamic acid.
Molecular consequence: missense variant. On other transcripts: non-coding transcript variant (1), intron variant (1).
Genome position (GRCh38, 1-based): chr20:63,659,438, C>G. VCF-style: chr20-63659438-C-G. GRCh37 (hg19) VCF-style: chr20-62290791-C-G.
Other names: c.36C>G, p.Asp12Glu (NM_016434.4, NM_032957.5); c.-568+979C>G (NM_001283010.1); short protein forms D12E.
Identifiers: ClinVar variation 4844072 (VCV004844072.1).